The following is an entry in ClinVar:

NM_001376013.1(EPB41):c.1301G>A (p.Trp434Ter)

Gene: EPB41 (erythrocyte membrane protein band 4.1; plus strand). Cytogenetic location: 1p35.3.
Variant type: single nucleotide variant.
Coding change: c.1301G>A on transcript NM_001376013.1 (MANE Select); coding-DNA position 1301, G replaced by A.
Protein change: p.Trp434Ter; replaces tryptophan 434 with a stop codon.
Molecular consequence: nonsense.
Genome position (GRCh38, 1-based): chr1:29,033,181, G>A. VCF-style: chr1-29033181-G-A. GRCh37 (hg19) VCF-style: chr1-29359693-G-A.
Other names: c.674G>A, p.Trp225Ter (NM_001166007.2, NM_001376022.1, NM_001376023.1 and 7 more transcripts); c.1301G>A, p.Trp434Ter (NM_001376014.1, NM_001376015.1, NM_001376016.1 and 7 more transcripts); c.1196G>A, p.Trp399Ter (NM_203343.3); short protein forms W225*, W399*, W434*.
Identifiers: ClinVar variation 3727875 (VCV003727875.2).

ClinVar aggregate classification (germline): Pathogenic (1 of 4 stars; one submission).

Submission:

Labcorp Genetics (formerly Invitae), Labcorp
Classification: Pathogenic. Last evaluated: 2024-12-23. Review status: criteria provided, single submitter. Criteria: Invitae Variant Classification Sherloc (09022015). Collection method: clinical testing. Allele origin: germline.
Comment: This sequence change creates a premature translational stop signal (p.Trp225*) in the EPB41 gene. It is expected to result in an absent or disrupted protein product. Loss-of-function variants in EPB41 are known to be pathogenic (PMID: 21839655, 27551681, 27667160, 33942936). This variant is not present in population databases (gnomAD no frequency). This variant has not been reported in the literature in individuals affected with EPB41-related conditions. For these reasons, this variant has been classified as Pathogenic.

Literature cited by the submitters: PubMed 21839655; PubMed 27551681; PubMed 27667160; PubMed 33942936.